The following is an entry in ClinVar:

NM_000059.4(BRCA2):c.8599A>G (p.Thr2867Ala)

Gene: BRCA2 (BRCA2 DNA repair associated; plus strand). Cytogenetic location: 13q13.1.
Variant type: single nucleotide variant.
Coding change: c.8599A>G on transcript NM_000059.4 (MANE Select); coding-DNA position 8599, A replaced by G.
Protein change: p.Thr2867Ala; replaces threonine 2867 with alanine.
Molecular consequence: missense variant. On other transcripts: non-coding transcript variant (1).
Genome position (GRCh38, 1-based): chr13:32,371,067, A>G. VCF-style: chr13-32371067-A-G. GRCh37 (hg19) VCF-style: chr13-32945204-A-G.
Other names: c.8503A>G, p.Thr2835Ala (NM_001406719.1); c.8599A>G, p.Thr2867Ala (NM_001406720.1); c.3667A>G, p.Thr1223Ala (NM_001406721.1); c.2182A>G, p.Thr728Ala (NM_001406722.1); short protein forms T2835A, T728A, T1223A, T2867A.
Identifiers: ClinVar variation 2837266 (VCV002837266.2), dbSNP rs80359119, ClinGen allele CA387752880.

ClinVar aggregate classification (germline): Uncertain significance (1 of 4 stars; one submission).

Conditions:
Hereditary breast ovarian cancer syndrome. Also called: Hereditary breast and ovarian cancer syndrome (HBOC); Breast and ovarian cancer; BRCA1- and BRCA2-Associated Hereditary Breast and Ovarian Cancer; Hereditary breast and ovarian cancer syndrome; Hereditary breast and ovarian cancer; Hereditary breast and/or ovarian cancer syndrome. Identifiers: Orphanet 145, MedGen C0677776, MeSH D061325, MONDO:0003582. Disease mechanism: loss of function.

Submission:

Labcorp Genetics (formerly Invitae), Labcorp
Classification: Uncertain significance for Hereditary breast ovarian cancer syndrome. Last evaluated: 2023-02-14. Review status: criteria provided, single submitter. Criteria: Invitae Variant Classification Sherloc (09022015). Collection method: clinical testing. Allele origin: germline.
Comment: In summary, the available evidence is currently insufficient to determine the role of this variant in disease. Therefore, it has been classified as a Variant of Uncertain Significance. Advanced modeling of protein sequence and biophysical properties (such as structural, functional, and spatial information, amino acid conservation, physicochemical variation, residue mobility, and thermodynamic stability) performed at Invitae indicates that this missense variant is not expected to disrupt BRCA2 protein function. This variant has not been reported in the literature in individuals affected with BRCA2-related conditions. This variant is not present in population databases (gnomAD no frequency). This sequence change replaces threonine, which is neutral and polar, with alanine, which is neutral and non-polar, at codon 2867 of the BRCA2 protein (p.Thr2867Ala).